The following is an entry in ClinVar:

NM_002225.5(IVD):c.304G>A (p.Gly102Ser)

Gene: IVD (isovaleryl-CoA dehydrogenase; plus strand). Cytogenetic location: 15q15.1.
Variant type: single nucleotide variant.
Coding change: c.304G>A on transcript NM_002225.5 (MANE Select); coding-DNA position 304, G replaced by A.
Protein change: p.Gly102Ser; replaces glycine 102 with serine.
Molecular consequence: missense variant. On other transcripts: non-coding transcript variant (1).
Genome position (GRCh38, 1-based): chr15:40,410,645, G>A. VCF-style: chr15-40410645-G-A. GRCh37 (hg19) VCF-style: chr15-40702844-G-A.
Other names: c.214G>A, p.Gly72Ser (NM_001159508.3); c.256G>A, p.Gly86Ser (NM_001354597.3); c.304G>A, p.Gly102Ser (NM_001354598.3, NM_001354601.3); c.391G>A, p.Gly131Ser (NM_001354599.3, NM_001354600.3); short protein forms G131S, G102S, G86S, G72S.
Identifiers: ClinVar variation 5004424 (VCV005004424.1).

ClinVar aggregate classification (germline): Uncertain significance (1 of 4 stars; one submission).

Conditions:
Isovaleryl-CoA dehydrogenase deficiency (IVA). Also called: Isovaleric acidemia; ISOVALERIC ACID CoA DEHYDROGENASE DEFICIENCY; Classic Isovaleric Acidemia; IVD DEFICIENCY. Identifiers: Orphanet 33, MedGen C0268575, MONDO:0009475, OMIM 243500.

gnomAD v4.1: 64 of 1,614,162 alleles (0.004%); highest among the groups gnomAD compares: South Asian, 0.042%; 1 homozygote.

Submission:

Myriad Genetics, Inc.
Classification: Uncertain significance for Isovaleryl-CoA dehydrogenase deficiency. Last evaluated: 2026-03-31. Review status: criteria provided, single submitter. Criteria: Myriad Autosomal Dominant, Autosomal Recessive and X-Linked Classification Criteria (2023). Collection method: clinical testing. Allele origin: unknown.
Comment: NM_002225.3(IVD):c.313G>A(G105S) is a missense variant classified as a variant of uncertain significance in the context of isovaleric acidemia. G105S has not been observed in cases with relevant disease. Relevant functional assessments of this variant are not available in the literature. G105S has been observed in referenced population frequency databases. In summary, there is insufficient evidence to classify NM_002225.3(IVD):c.313G>A(G105S) as pathogenic or benign. Please note: this variant was assessed in the context of healthy population screening.